The following is an entry in ClinVar:

NM_002397.5(MEF2C):c.-43A>T

Gene: MEF2C (myocyte enhancer factor 2C; minus strand). Cytogenetic location: 5q14.3.
Variant type: single nucleotide variant.
Coding change: c.-43A>T on transcript NM_002397.5 (MANE Select); 43 bases upstream of the start codon, A replaced by T.
Molecular consequence: 5 prime UTR variant.
Genome position (GRCh38, 1-based): chr5:88,823,831, T>A on the plus strand (A>T on the coding strand, the complement: MEF2C is on the minus strand). VCF-style: chr5-88823831-T-A. GRCh37 (hg19) VCF-style: chr5-88119648-T-A.
Other names: c.-43A>T (NM_001131005.2, NM_001193347.1, NM_001193348.1 and 29 more transcripts).
Identifiers: ClinVar variation 383887 (VCV000383887.1), dbSNP rs978491338, ClinGen allele CA16605415.
Genomic context (GRCh38, chr5:88,823,831, plus strand): 5'-AATCTTTTTTCTCCCCATAGTCCCCGTTTTTCTTCTCTCTCTCGTCCCTGAAATTATGTA[T>A]TTTTTCCTTCCTTTTCTTTCTCTTTCCTGTTTCCTCCAAACAAATCTCCTTCTTCAGCAC-3'

ClinVar aggregate classification (germline): Likely benign (1 of 4 stars; one submission).

Allele frequency attached by ClinVar (database versions not stated): gnomAD exomes below 0.00001; gnomAD 0.00001.
gnomAD v4.1: 3 of 1,603,168 alleles (0.00019%); highest among the groups gnomAD compares: Admixed American, 0.0034%; no homozygotes.

Submission:

GeneDx
Classification: Likely benign. Last evaluated: 2016-03-01. Review status: criteria provided, single submitter. Criteria: GeneDx Variant Classification (06012015). Collection method: clinical testing. Allele origin: germline. Affected: yes.
Comment: This variant is considered likely benign or benign based on one or more of the following criteria: it is a conservative change, it occurs at a poorly conserved position in the protein, it is predicted to be benign by multiple in silico algorithms, and/or has population frequency not consistent with disease.